The following is an entry in ClinVar:

NM_000152.5(GAA):c.868A>C (p.Asn290His)

Gene: GAA (alpha glucosidase; plus strand). Cytogenetic location: 17q25.3.
Variant type: single nucleotide variant.
Coding change: c.868A>C on transcript NM_000152.5 (MANE Select); coding-DNA position 868, A replaced by C.
Protein change: p.Asn290His; replaces asparagine 290 with histidine.
Molecular consequence: missense variant.
Genome position (GRCh38, 1-based): chr17:80,107,809, A>C. VCF-style: chr17-80107809-A-C. GRCh37 (hg19) VCF-style: chr17-78081608-A-C.
Other names: c.868A>C, p.Asn290His (NM_001079803.3, NM_001079804.3, NM_001406741.1 and 1 more transcripts); short protein forms N290H.
Identifiers: ClinVar variation 4876608 (VCV004876608.1).

ClinVar aggregate classification (germline): Uncertain significance (1 of 4 stars; one submission).

Conditions:
Glycogen storage disease, type II (IOPD). Also called: Pompe Disease; CARDIOMEGALIA GLYCOGENICA DIFFUSA; GLYCOGENOSIS, GENERALIZED, CARDIAC FORM; GSD II; POMPE DISEASE, INFANTILE-ONSET; GLYCOGEN STORAGE DISEASE II, INFANTILE-ONSET. Identifiers: Orphanet 365, MedGen C0017921, MONDO:0009290, OMIM 232300.

Submission:

Genomenon, Inc
Classification: Uncertain significance for Glycogen storage disease, type II. Last evaluated: 2026-07-01. Review status: criteria provided, single submitter. Criteria: Genomenon Sequence Variant Interpretation Standards - Updated. Collection method: curation. Allele origin: germline. Affected: yes.
Comment: GAA p.Asn290His (c.868A>C) is a missense variant that changes the amino acid at codon 290 from Asparagine to Histidine. This variant has been observed in at least one proband with a GAA-related disorder (PMID:40225932). It is absent or not present at a significant frequency in gnomAD. In conclusion, we classify GAA p.Asn290His (c.868A>C) as a variant of uncertain significance.

Literature cited by the submitters: PubMed 40225932.